The following is an entry in ClinVar:

ClinVar aggregate classification (germline): Uncertain significance. Review status: criteria provided, multiple submitters, no conflicts (2 of 4 stars). 2 submissions from 2 submitters: Uncertain significance (2). Last evaluated 2024-06-19.

Conditions:
Inborn genetic diseases. Identifiers: MedGen C0950123, MeSH D030342.

gnomAD v4.1: 160 of 1,611,922 alleles (0.0099%); highest among the groups gnomAD compares: Non-Finnish European, 0.012%; no homozygotes.

Submissions (2):

Labcorp Genetics (formerly Invitae), Labcorp
Classification: Uncertain significance. Last evaluated: 2024-06-19. Review status: criteria provided, single submitter. Criteria: Invitae Variant Classification Sherloc (09022015). Collection method: clinical testing. Allele origin: germline.
Comment: This sequence change replaces glycine, which is neutral and non-polar, with serine, which is neutral and polar, at codon 152 of the SLC26A1 protein (p.Gly152Ser). This variant is present in population databases (rs374564512, gnomAD 0.01%). This variant has not been reported in the literature in individuals affected with SLC26A1-related conditions. Algorithms developed to predict the effect of missense changes on protein structure and function output the following: SIFT: "Not Available"; PolyPhen-2: "Benign"; Align-GVGD: "Not Available". The serine amino acid residue is found in multiple mammalian species, which suggests that this missense change does not adversely affect protein function. In summary, the available evidence is currently insufficient to determine the role of this variant in disease. Therefore, it has been classified as a Variant of Uncertain Significance.

Ambry Genetics
Classification: Uncertain significance for Inborn genetic diseases. Last evaluated: 2024-03-19. Review status: criteria provided, single submitter. Criteria: Ambry Variant Classification Scheme 2023. Collection method: clinical testing. Allele origin: germline.

NM_022042.4(SLC26A1):c.454G>A (p.Gly152Ser)

Genes: IDUA (alpha-L-iduronidase; plus strand), SLC26A1 (solute carrier family 26 member 1; minus strand). Cytogenetic location: 4p16.3.
Variant type: single nucleotide variant.
Coding change: c.454G>A on transcript NM_022042.4 (MANE Select); coding-DNA position 454, G replaced by A.
Protein change: p.Gly152Ser; replaces glycine 152 with serine.
Molecular consequence: missense variant. On other transcripts: intron variant (1).
Genome position (GRCh38, 1-based): chr4:991,250, C>T on the plus strand (G>A on the coding strand, the complement: SLC26A1 is on the minus strand). VCF-style: chr4-991250-C-T. GRCh37 (hg19) VCF-style: chr4-985038-C-T.
Other names: c.454G>A, p.Gly152Ser (NM_134425.4, NM_213613.4); c.299+3301C>T (NM_000203.5); short protein forms G152S.
Identifiers: ClinVar variation 3319278 (VCV003319278.3).